The following is an entry in ClinVar:

GRCh37/hg19 16p13.11(chr16:15124782-16291779)x1

Genes: PDXDC1 (pyridoxal dependent decarboxylase domain containing 1), RRN3 (RRN3 homolog, RNA polymerase I transcription factor), ABCC1 (ATP binding cassette subfamily C member 1 (ABCC1 blood group); plus strand), ABCC6 (ATP binding cassette subfamily C member 6; minus strand), BMERB1 (bMERB domain containing 1; plus strand) and 7 more. Cytogenetic location: 16p13.11.
Variant type: copy number loss.
Change: copy number 1 (one copy instead of two) of chr16:15,124,782-16,291,779 (1.17 Mb, GRCh37 coordinates, 1-based), cytogenetic band 16p13.11.
Identifiers: ClinVar variation 1180506 (VCV001180506.4).

ClinVar aggregate classification (germline): Pathogenic (1 of 4 stars; one submission).

Submission:

Illumina Laboratory Services, Illumina
Classification: Pathogenic. Last evaluated: 2020-05-13. Review status: criteria provided, single submitter. Criteria: ICSL CNVClassificationCriteria Jul2020Prior. Collection method: clinical testing. Allele origin: unknown.
Comment: This CNV is a 1.2 Mb deletion of 16p13.11 on chromosome 16, (seq[GRCh37]del(16)(p13.11); chr16:g.15124782_16291779del), which is inherited. This CNV constitutes a loss affecting 18 genes and overlaps the previously described intervals 1 and 2 associated with 16p13.11 microdeletion syndrome (Nagamani et al. 2011). Similar deletions, both de novo and inherited from an unaffected parent, have been reported in multiple individuals with features consistent with 16p13.11 microdeletion syndrome, including intellectual disability, congenital anomalies, and seizures (Ullman et al. 2007; Hannes et al. 2009; de Kovel et al. 2010; JÃ¤hn et al. 2014). Similar deletions have been observed in a small number of controls (Cooper et al. 2011), consistent with incomplete penetrance. Based on the collective evidence, this CNV is classified as pathogenic.

Literature cited by the submitters: PubMed 17480035; PubMed 18550696; PubMed 19843651; PubMed 21150890; PubMed 21841781; PubMed 24246141.